The following is an entry in ClinVar:

NM_001199107.2(TBC1D24):c.119G>C (p.Arg40Pro)

Gene: TBC1D24 (TBC1 domain family member 24; plus strand). Cytogenetic location: 16p13.3.
Variant type: single nucleotide variant.
Coding change: c.119G>C on transcript NM_001199107.2 (MANE Select); coding-DNA position 119, G replaced by C.
Protein change: p.Arg40Pro; replaces arginine 40 with proline.
Molecular consequence: missense variant.
Genome position (GRCh38, 1-based): chr16:2,496,267, G>C. VCF-style: chr16-2496267-G-C. GRCh37 (hg19) VCF-style: chr16-2546268-G-C.
Other names: c.119G>C, p.Arg40Pro (NM_020705.3); short protein forms R40P.
Identifiers: ClinVar variation 2932540 (VCV002932540.3), dbSNP rs760474458, ClinGen allele CA7843926.

ClinVar aggregate classification (germline): Uncertain significance (1 of 4 stars; one submission).

Conditions:
Autosomal dominant nonsyndromic hearing loss 65. Also called: Deafness, autosomal dominant 65; TBC1D24-Related Autosomal Dominant Nonsyndromic Hearing Loss (DFNA). Identifiers: Orphanet 90635, MedGen C3892048, MONDO:0014470, OMIM 616044.
Developmental and epileptic encephalopathy, 1 (DEE1). Also called: INFANTILE SPASM SYNDROME, X-LINKED 1; X-linked infantile spasms; West's syndrome; Tonic spasms with clustering, arrest of psychomotor development and hypsarrhythmia on EEG; X-Linked Infantile Spasm Syndrome; OHTAHARA SYNDROME, X-LINKED. Identifiers: MedGen C3463992, MONDO:0010632, OMIM 308350. Disease mechanism: loss of function.

Allele frequency attached by ClinVar (database versions not stated): ExAC 0.00003.
gnomAD v4.1: 6 of 1,613,772 alleles (0.00037%); highest among the groups gnomAD compares: Non-Finnish European, 0.00042%; no homozygotes.

Submission:

Labcorp Genetics (formerly Invitae), Labcorp
Classification: Uncertain significance for Developmental and epileptic encephalopathy, 1; Autosomal dominant nonsyndromic hearing loss 65. Last evaluated: 2023-02-16. Review status: criteria provided, single submitter. Criteria: Invitae Variant Classification Sherloc (09022015). Collection method: clinical testing. Allele origin: germline.
Comment: This variant disrupts the p.Arg40 amino acid residue in TBC1D24. Other variant(s) that disrupt this residue have been determined to be pathogenic (PMID: 24291220; Invitae). This suggests that this residue is clinically significant, and that variants that disrupt this residue are likely to be disease-causing. Advanced modeling of protein sequence and biophysical properties (such as structural, functional, and spatial information, amino acid conservation, physicochemical variation, residue mobility, and thermodynamic stability) performed at Invitae indicates that this missense variant is expected to disrupt TBC1D24 protein function. This variant has not been reported in the literature in individuals affected with TBC1D24-related conditions. This variant is present in population databases (rs760474458, gnomAD 0.004%). In summary, the available evidence is currently insufficient to determine the role of this variant in disease. Therefore, it has been classified as a Variant of Uncertain Significance. This sequence change replaces arginine, which is basic and polar, with proline, which is neutral and non-polar, at codon 40 of the TBC1D24 protein (p.Arg40Pro).

Literature cited by the submitters: PubMed 24291220.